The following is an entry in ClinVar:

ClinVar aggregate classification (germline): Conflicting classifications of pathogenicity. Review status: criteria provided, conflicting classifications (1 of 4 stars). 4 submissions from 4 submitters: Pathogenic (1); Uncertain significance (1). 2 of the submissions do not count toward it. Last evaluated 2021-02-17.

Conditions:
Propionic acidemia (PROP). Also called: GLYCINEMIA, KETOTIC; HYPERGLYCINEMIA WITH KETOACIDOSIS AND LEUKOPENIA; KETOTIC HYPERGLYCINEMIA. Identifiers: Orphanet 35, MedGen C0268579, MONDO:0011628, OMIM 606054, HP:0003571.

Submissions (4):

Laboratory of Inherited Metabolic Diseases, Research centre for medical genetics
Classification: Pathogenic for Propionic acidemia. Last evaluated: 2021-02-17. Review status: criteria provided, single submitter. Criteria: ACMG Guidelines, 2015. Collection method: research, in vitro. Allele origin: germline, not applicable. Affected: yes.
Comment: PS3, PM2, PM3, PP3, PP4

Labcorp Genetics (formerly Invitae), Labcorp
Classification: Uncertain significance for Propionic acidemia. Last evaluated: 2019-06-26. Review status: criteria provided, single submitter. Criteria: Invitae Variant Classification Sherloc (09022015). Collection method: clinical testing. Allele origin: germline.
Comment: This sequence change falls in intron 2 of the PCCA gene. It does not directly change the encoded amino acid sequence of the PCCA protein, but it affects a nucleotide within the consensus splice site of the intron. This variant is not present in population databases (ExAC no frequency). This variant has not been reported in the literature in individuals with PCCA-related conditions. ClinVar contains an entry for this variant (Variation ID: 554669). Nucleotide substitutions within the consensus splice site are a relatively common cause of aberrant splicing (PMID: 17576681, 9536098). Algorithms developed to predict the effect of sequence changes on RNA splicing suggest that this variant may disrupt the consensus splice site, but this prediction has not been confirmed by published transcriptional studies. In summary, the available evidence is currently insufficient to determine the role of this variant in disease. Therefore, it has been classified as a Variant of Uncertain Significance.

Natera, Inc.
Classification: Uncertain significance for Propionic acidemia. Last evaluated: 2020-02-28. Review status: no assertion criteria provided. Collection method: clinical testing. Allele origin: germline. Not counted in ClinVar's aggregate classification.

Counsyl
Classification: Uncertain significance for Propionic acidemia. Last evaluated: 2017-10-31. Review status: no assertion criteria provided. Collection method: clinical testing. Allele origin: unknown. Not counted in ClinVar's aggregate classification.

Literature cited by the submitters: PubMed 17576681 (cited by Labcorp Genetics (formerly Invitae), Labcorp); PubMed 9536098 (cited by Labcorp Genetics (formerly Invitae), Labcorp).

NM_000282.4(PCCA):c.183+4_183+7del

Gene: PCCA (propionyl-CoA carboxylase subunit alpha; plus strand). Cytogenetic location: 13q32.3.
Variant type: Microsatellite.
Coding change: c.183+4_183+7del on transcript NM_000282.4 (MANE Select); bases 4 to 7 of the intron after coding-DNA position 183, 4 bases deleted (AGTA; older notation c.183+4_183+7delAGTA).
Molecular consequence: splice donor variant. On other transcripts: intron variant (3).
Genome position (GRCh38, 1-based): chr13:100,102,964-100,102,967, AGTA deleted; deleting any 4 consecutive bases within chr13:100,102,959-100,102,967 gives the same sequence; the c. name uses the placement nearest the transcript's 3' end. VCF-style (leftmost placement, unchanged base first): chr13-100102958-AAAGT-A. GRCh37 (hg19) VCF-style: chr13-100755212-AAAGT-A.
Other names: c.183+4_183+7del (NM_001178004.2, NM_001352605.2, NM_001352606.2 and 1 more transcripts); c.-684+4_-684+7del (NM_001352610.2, NM_001352611.2, NM_001352612.2); c.106-8877_106-8874del (NM_001127692.3, NM_001352607.2, NM_001352608.2); c.183+4_183+7delAGTA (NM_000282.3).
Identifiers: ClinVar variation 554669 (VCV000554669.11), dbSNP rs1555342581, ClinGen allele CA658823735.